The following is an entry in ClinVar:

ClinVar aggregate classification (germline): Uncertain significance (1 of 4 stars; one submission).

Conditions:
Cardiovascular phenotype. Identifiers: MedGen CN230736.

Allele frequency attached by ClinVar (database versions not stated): gnomAD exomes below 0.00001.
gnomAD v4.1: 2 of 1,613,506 alleles (0.00012%); highest among the groups gnomAD compares: Non-Finnish European, 0.00017%; no homozygotes.

Submission:

Ambry Genetics
Classification: Uncertain significance for Cardiovascular phenotype. Last evaluated: 2021-10-16. Review status: criteria provided, single submitter. Criteria: Ambry Variant Classification Scheme 2023. Collection method: clinical testing. Allele origin: germline.
Comment: The p.T2790I variant (also known as c.8369C>T), located in coding exon 23 of the TNXB gene, results from a C to T substitution at nucleotide position 8369. The threonine at codon 2790 is replaced by isoleucine, an amino acid with similar properties. This amino acid position is conserved. In addition, this alteration is predicted to be tolerated by in silico analysis. Since supporting evidence is limited at this time, the clinical significance of this alteration remains unclear.

NM_001365276.2(TNXB):c.8369C>T (p.Thr2790Ile)

Gene: TNXB (tenascin XB; minus strand). Cytogenetic location: 6p21.33.
Variant type: single nucleotide variant.
Coding change: c.8369C>T on transcript NM_001365276.2 (MANE Select); coding-DNA position 8369, C replaced by T.
Protein change: p.Thr2790Ile; replaces threonine 2790 with isoleucine.
Molecular consequence: missense variant.
Genome position (GRCh38, 1-based): chr6:32,055,949, G>A on the plus strand (C>T on the coding strand, the complement: TNXB is on the minus strand). VCF-style: chr6-32055949-G-A. GRCh37 (hg19) VCF-style: chr6-32023726-G-A.
Other names: c.8369C>T, p.Thr2790Ile (NM_019105.8); short protein forms T2790I.
Identifiers: ClinVar variation 1763103 (VCV001763103.2), dbSNP rs1582370845, ClinGen allele CA363549170.